The following is an entry in ClinVar:

NM_016507.4(CDK12):c.3973C>T (p.Pro1325Ser)

Gene: CDK12 (cyclin dependent kinase 12; plus strand). Cytogenetic location: 17q12.
Variant type: single nucleotide variant.
Coding change: c.3973C>T on transcript NM_016507.4 (MANE Select); coding-DNA position 3973, C replaced by T.
Protein change: p.Pro1325Ser; replaces proline 1325 with serine.
Molecular consequence: missense variant.
Genome position (GRCh38, 1-based): chr17:39,530,816, C>T. VCF-style: chr17-39530816-C-T. GRCh37 (hg19) VCF-style: chr17-37687069-C-T.
Other names: c.3946C>T, p.Pro1316Ser (NM_015083.4); short protein forms P1316S, P1325S.
Identifiers: ClinVar variation 3830661 (VCV003830661.1).

ClinVar aggregate classification (germline): Uncertain significance (1 of 4 stars; one submission).

gnomAD v4.1: 6 of 1,614,084 alleles (0.00037%); highest among the groups gnomAD compares: Non-Finnish European, 0.00051%; no homozygotes.

Submission:

Ambry Genetics
Classification: Uncertain significance. Last evaluated: 2025-02-14. Review status: criteria provided, single submitter. Criteria: Ambry Variant Classification Scheme 2023. Collection method: clinical testing. Allele origin: germline.
Comment: The p.P1325S variant (also known as c.3973C>T), located in coding exon 14 of the CDK12 gene, results from a C to T substitution at nucleotide position 3973. The proline at codon 1325 is replaced by serine, an amino acid with similar properties. This amino acid position is conserved. In addition, this alteration is predicted to be tolerated by in silico analysis. Based on the available evidence, the clinical significance of this variant remains unclear.